The following is an entry in ClinVar:

NM_001080.3(ALDH5A1):c.85G>A (p.Gly29Ser)

Genes: GPLD1 (glycosylphosphatidylinositol specific phospholipase D1; minus strand), ALDH5A1 (aldehyde dehydrogenase 5 family member A1; plus strand), LOC129995978 (ATAC-STARR-seq lymphoblastoid silent region 16989; plus strand). Cytogenetic location: 6p22.3.
Variant type: single nucleotide variant.
Coding change: c.85G>A on transcript NM_001080.3 (MANE Select); coding-DNA position 85, G replaced by A.
Protein change: p.Gly29Ser; replaces glycine 29 with serine.
Molecular consequence: missense variant.
Genome position (GRCh38, 1-based): chr6:24,495,081, G>A. VCF-style: chr6-24495081-G-A. GRCh37 (hg19) VCF-style: chr6-24495309-G-A.
Other names: c.85G>A, p.Gly29Ser (NM_001368954.1, NM_170740.1); short protein forms G29S.
Identifiers: ClinVar variation 2185068 (VCV002185068.1), dbSNP rs940450388, ClinGen allele CA136122136.

ClinVar aggregate classification (germline): Uncertain significance (1 of 4 stars; one submission).

Conditions:
Succinate-semialdehyde dehydrogenase deficiency (SSADHD). Also called: SSADH DEFICIENCY; 4-HYDROXYBUTYRIC ACIDURIA; GABA METABOLIC DEFECT; Succinic Semialdehyde Dehydrogenase Deficiency. Identifiers: Orphanet 22, MedGen C0268631, MONDO:0010083, OMIM 271980.

Allele frequency attached by ClinVar (database versions not stated): gnomAD 0.00001; TOPMed 0.00001.
gnomAD v4.1: 6 of 1,319,176 alleles (0.00045%); highest among the groups gnomAD compares: African/African-American, 0.0091%; no homozygotes.

Submission:

Labcorp Genetics (formerly Invitae), Labcorp
Classification: Uncertain significance for Succinate-semialdehyde dehydrogenase deficiency. Last evaluated: 2022-05-28. Review status: criteria provided, single submitter. Criteria: Invitae Variant Classification Sherloc (09022015). Collection method: clinical testing. Allele origin: germline.
Comment: This sequence change replaces glycine, which is neutral and non-polar, with serine, which is neutral and polar, at codon 29 of the ALDH5A1 protein (p.Gly29Ser). This variant is not present in population databases (gnomAD no frequency). This variant has not been reported in the literature in individuals affected with ALDH5A1-related conditions. Advanced modeling of protein sequence and biophysical properties (such as structural, functional, and spatial information, amino acid conservation, physicochemical variation, residue mobility, and thermodynamic stability) performed at Invitae indicates that this missense variant is not expected to disrupt ALDH5A1 protein function. In summary, the available evidence is currently insufficient to determine the role of this variant in disease. Therefore, it has been classified as a Variant of Uncertain Significance.